The following is an entry in ClinVar:

NM_033087.4(ALG2):c.947C>T (p.Thr316Met)

Gene: ALG2 (ALG2 alpha-1,3/1,6-mannosyltransferase; minus strand). Cytogenetic location: 9q22.33.
Variant type: single nucleotide variant.
Coding change: c.947C>T on transcript NM_033087.4 (MANE Select); coding-DNA position 947, C replaced by T.
Protein change: p.Thr316Met; replaces threonine 316 with methionine.
Molecular consequence: missense variant. On other transcripts: non-coding transcript variant (1).
Genome position (GRCh38, 1-based): chr9:99,218,238, G>A on the plus strand (C>T on the coding strand, the complement: ALG2 is on the minus strand). VCF-style: chr9-99218238-G-A. GRCh37 (hg19) VCF-style: chr9-101980520-G-A.
Other names: short protein forms T316M.
Identifiers: ClinVar variation 1376852 (VCV001376852.8), dbSNP rs764242401, ClinGen allele CA5156231.

ClinVar aggregate classification (germline): Uncertain significance (1 of 4 stars; one submission).

Conditions:
Congenital disorder of glycosylation, type Ii. Also called: ALG2-congenital disorder of glycosylation; ALG2-CDG; CDG Ii. Identifiers: Orphanet 79326, MedGen C1842836, MONDO:0011933, OMIM 607906.
Congenital myasthenic syndrome 14. Also called: Myasthenic syndrome, congenital, 14, with tubular aggregates. Identifiers: Orphanet 353327, Orphanet 590, MedGen C4015597, MONDO:0014543, OMIM 616228.

Allele frequency attached by ClinVar (database versions not stated): gnomAD exomes 0.00002 and 0.00001; ExAC 0.00003; gnomAD 0.00001; TOPMed 0.00003; 1000 Genomes Project 30x 0.00016.

Submission:

Labcorp Genetics (formerly Invitae), Labcorp
Classification: Uncertain significance for Congenital disorder of glycosylation, type Ii; Congenital myasthenic syndrome 14. Last evaluated: 2022-06-02. Review status: criteria provided, single submitter. Criteria: Invitae Variant Classification Sherloc (09022015). Collection method: clinical testing. Allele origin: germline.
Comment: In summary, the available evidence is currently insufficient to determine the role of this variant in disease. Therefore, it has been classified as a Variant of Uncertain Significance. Algorithms developed to predict the effect of missense changes on protein structure and function output the following: SIFT: "Tolerated"; PolyPhen-2: "Benign"; Align-GVGD: "Class C0". The methionine amino acid residue is found in multiple mammalian species, which suggests that this missense change does not adversely affect protein function. ClinVar contains an entry for this variant (Variation ID: 1376852). This variant has not been reported in the literature in individuals affected with ALG2-related conditions. This variant is present in population databases (rs764242401, gnomAD 0.006%). This sequence change replaces threonine, which is neutral and polar, with methionine, which is neutral and non-polar, at codon 316 of the ALG2 protein (p.Thr316Met).